The following is an entry in ClinVar:

ClinVar aggregate classification (germline): Uncertain significance (1 of 4 stars; one submission).

Submission:

Labcorp Genetics (formerly Invitae), Labcorp
Classification: Uncertain significance. Last evaluated: 2024-01-19. Review status: criteria provided, single submitter. Criteria: Invitae Variant Classification Sherloc (09022015). Collection method: clinical testing. Allele origin: germline.
Comment: This sequence change replaces glutamine, which is neutral and polar, with glutamic acid, which is acidic and polar, at codon 557 of the DTHD1 protein (p.Gln557Glu). This variant is not present in population databases (gnomAD no frequency). This variant has not been reported in the literature in individuals affected with DTHD1-related conditions. ClinVar contains an entry for this variant (Variation ID: 2008876). An algorithm developed to predict the effect of missense changes on protein structure and function (PolyPhen-2) suggests that this variant is likely to be disruptive. In summary, the available evidence is currently insufficient to determine the role of this variant in disease. Therefore, it has been classified as a Variant of Uncertain Significance.

NM_001170700.3(DTHD1):c.2539C>G (p.Gln847Glu)

Gene: DTHD1 (death domain containing 1; plus strand). Cytogenetic location: 4p14.
Variant type: single nucleotide variant.
Coding change: c.2539C>G on transcript NM_001170700.3 (MANE Select); coding-DNA position 2539, C replaced by G.
Protein change: p.Gln847Glu; replaces glutamine 847 with glutamic acid.
Molecular consequence: missense variant. On other transcripts: non-coding transcript variant (2).
Genome position (GRCh38, 1-based): chr4:36,343,642, C>G. VCF-style: chr4-36343642-C-G. GRCh37 (hg19) VCF-style: chr4-36345264-C-G.
Other names: c.1669C>G, p.Gln557Glu (NM_001136536.5); c.1548C>G, p.Asn516Lys (NM_001378435.1); short protein forms N516K, Q847E, Q557E.
Identifiers: ClinVar variation 2008876 (VCV002008876.4), dbSNP rs2529891832, ClinGen allele CA356682311.